The following is an entry in ClinVar:

ClinVar aggregate classification (germline): Uncertain significance (1 of 4 stars; one submission).

Conditions:
Hereditary cancer-predisposing syndrome. Also called: Neoplastic Syndromes, Hereditary; Tumor predisposition; Hereditary Cancer Syndrome; Hereditary neoplastic syndrome. Identifiers: Orphanet 140162, MedGen C0027672, MeSH D009386, MONDO:0015356.

Submission:

Ambry Genetics
Classification: Uncertain significance for Hereditary cancer-predisposing syndrome. Last evaluated: 2026-06-02. Review status: criteria provided, single submitter. Criteria: Ambry Variant Classification Scheme 2023. Collection method: clinical testing. Allele origin: germline.
Comment: The p.L15H variant (also known as c.44T>A), located in coding exon 1 of the KIT gene, results from a T to A substitution at nucleotide position 44. The leucine at codon 15 is replaced by histidine, an amino acid with similar properties. This amino acid position is conserved. In addition, this alteration is predicted to be tolerated by in silico analysis. Based on the available evidence, the clinical significance of this variant remains unclear.

NM_000222.3(KIT):c.44T>A (p.Leu15His)

Gene: KIT (KIT proto-oncogene, receptor tyrosine kinase; plus strand). Cytogenetic location: 4q12.
Variant type: single nucleotide variant.
Coding change: c.44T>A on transcript NM_000222.3 (MANE Select); coding-DNA position 44, T replaced by A.
Protein change: p.Leu15His; replaces leucine 15 with histidine.
Molecular consequence: missense variant.
Genome position (GRCh38, 1-based): chr4:54,658,058, T>A. VCF-style: chr4-54658058-T-A. GRCh37 (hg19) VCF-style: chr4-55524225-T-A.
Other names: c.44T>A, p.Leu15His (NM_001093772.2, NM_001385284.1, NM_001385285.1 and 4 more transcripts); short protein forms L15H.
Identifiers: ClinVar variation 4858943 (VCV004858943.1).